The following is an entry in ClinVar:

NM_001235.5(SERPINH1):c.481A>C (p.Ile161Leu)

Gene: SERPINH1 (serpin family H member 1; plus strand). Cytogenetic location: 11q13.5.
Variant type: single nucleotide variant.
Coding change: c.481A>C on transcript NM_001235.5 (MANE Select); coding-DNA position 481, A replaced by C.
Protein change: p.Ile161Leu; replaces isoleucine 161 with leucine.
Molecular consequence: missense variant.
Genome position (GRCh38, 1-based): chr11:75,566,830, A>C. VCF-style: chr11-75566830-A-C. GRCh37 (hg19) VCF-style: chr11-75277875-A-C.
Other names: c.481A>C, p.Ile161Leu (NM_001207014.3); short protein forms I161L.
Identifiers: ClinVar variation 306101 (VCV000306101.18), dbSNP rs112083274, ClinGen allele CA6190820.
Genomic context (GRCh38, chr11:75,566,830, plus strand): 5'-AGCTTCGCTGATGACTTCGTGCGCAGCAGCAAGCAGCACTACAACTGCGAGCACTCCAAG[A>C]TCAACTTCCGCGACAAGCGCAGCGCGCTGCAGTCCATCAACGAGTGGGCCGCGCAGACCA-3'
Protein context (NP_001226.2, residues 151-171): KQHYNCEHSK[Ile161Leu]NFRDKRSALQ

ClinVar aggregate classification (germline): Conflicting classifications of pathogenicity. Review status: criteria provided, conflicting classifications (1 of 4 stars). 6 submissions from 6 submitters: Uncertain significance (5); Likely benign (1). Last evaluated 2025-12-30.

Conditions:
Osteogenesis imperfecta (OI). Identifiers: Orphanet 666, MedGen C0029434, MeSH D010013, MONDO:0019019.
SERPINH1-related disorder. Also called: SERPINH1-related condition.
Inborn genetic diseases. Identifiers: MedGen C0950123, MeSH D030342.
Osteogenesis imperfecta type 10 (OI10). Also called: OI, TYPE X. Identifiers: Orphanet 666, MedGen C3151211, MONDO:0013459, OMIM 613848.

Allele frequency attached by ClinVar (database versions not stated): ExAC 0.00010; gnomAD exomes 0.00012; TOPMed 0.00022; gnomAD 0.00026 and 0.00027; ESP Exome Variant Server 0.00031; 1000 Genomes Project 0.00040; 1000 Genomes Project 30x 0.00062.
gnomAD v4.1: 226 of 1,612,966 alleles (0.014%); highest among the groups gnomAD compares: African/African-American, 0.056%; no homozygotes.

Submissions (6):

Labcorp Genetics (formerly Invitae), Labcorp
Classification: Likely benign. Last evaluated: 2025-12-30. Review status: criteria provided, single submitter. Criteria: Invitae Variant Classification Sherloc (09022015). Collection method: clinical testing. Allele origin: germline.

PreventionGenetics, part of Exact Sciences
Classification: Uncertain significance for SERPINH1-related condition. Last evaluated: 2025-08-18. Review status: criteria provided, single submitter. Criteria: ACMG Guidelines, 2015. Collection method: clinical testing. Allele origin: germline.
Comment: The SERPINH1 c.481A>C variant is predicted to result in the amino acid substitution p.Ile161Leu. To our knowledge, this variant has not been reported in the literature. This variant is reported in 0.044% of alleles in individuals of African descent in gnomAD. At this time, the clinical significance of this variant is uncertain due to the absence of conclusive functional and genetic evidence.

Blueprint Genetics
Classification: Uncertain significance. Last evaluated: 2024-10-23. Review status: criteria provided, single submitter. Criteria: ACMG Guidelines, 2015. Collection method: clinical testing. Allele origin: germline.

Ambry Genetics
Classification: Uncertain significance for Inborn genetic diseases. Last evaluated: 2022-06-03. Review status: criteria provided, single submitter. Criteria: Ambry Variant Classification Scheme 2023. Collection method: clinical testing. Allele origin: germline.

Genome Diagnostics Laboratory, The Hospital for Sick Children
Classification: Uncertain significance for Osteogenesis imperfecta. Last evaluated: 2020-07-01. Review status: criteria provided, single submitter. Criteria: ACMG Guidelines, 2015. Collection method: clinical testing. Allele origin: germline.

Illumina Laboratory Services, Illumina
Classification: Uncertain significance for Osteogenesis imperfecta type 10. Last evaluated: 2018-01-13. Review status: criteria provided, single submitter. Criteria: ICSL Variant Classification Criteria 13 December 2019. Collection method: clinical testing. Allele origin: germline.